The following is an entry in ClinVar:

ClinVar aggregate classification (germline): Uncertain significance (1 of 4 stars; one submission).

gnomAD v4.1: 1 of 1,613,978 alleles (0.000062%); highest among the groups gnomAD compares: South Asian, 0.0011%; no homozygotes.

Submission:

Labcorp Genetics (formerly Invitae), Labcorp
Classification: Uncertain significance. Last evaluated: 2023-03-31. Review status: criteria provided, single submitter. Criteria: Invitae Variant Classification Sherloc (09022015). Collection method: clinical testing. Allele origin: germline.
Comment: This sequence change replaces threonine, which is neutral and polar, with lysine, which is basic and polar, at codon 1208 of the DSCAML1 protein (p.Thr1208Lys). This variant is present in population databases (rs147519443, gnomAD 0.003%). This variant has not been reported in the literature in individuals affected with DSCAML1-related conditions. An algorithm developed to predict the effect of missense changes on protein structure and function (PolyPhen-2) suggests that this variant is likely to be tolerated. In summary, the available evidence is currently insufficient to determine the role of this variant in disease. Therefore, it has been classified as a Variant of Uncertain Significance.

NM_020693.4(DSCAML1):c.3443C>A (p.Thr1148Lys)

Gene: DSCAML1 (DS cell adhesion molecule like 1; minus strand). Cytogenetic location: 11q23.3.
Variant type: single nucleotide variant.
Coding change: c.3443C>A on transcript NM_020693.4 (MANE Select); coding-DNA position 3443, C replaced by A.
Protein change: p.Thr1148Lys; replaces threonine 1148 with lysine.
Molecular consequence: missense variant.
Genome position (GRCh38, 1-based): chr11:117,458,879, G>T on the plus strand (C>A on the coding strand, the complement: DSCAML1 is on the minus strand). VCF-style: chr11-117458879-G-T. GRCh37 (hg19) VCF-style: chr11-117329595-G-T.
Other names: short protein forms T1148K.
Identifiers: ClinVar variation 2851238 (VCV002851238.3), dbSNP rs147519443, ClinGen allele CA229363579.